The following is an entry in ClinVar:

NM_000601.6(HGF):c.2183C>A (p.Ser728Ter)

Gene: HGF (hepatocyte growth factor; minus strand). Cytogenetic location: 7q21.11.
Variant type: single nucleotide variant.
Coding change: c.2183C>A on transcript NM_000601.6 (MANE Select); coding-DNA position 2183, C replaced by A.
Protein change: p.Ser728Ter; replaces serine 728 with a stop codon.
Molecular consequence: nonsense.
Genome position (GRCh38, 1-based): chr7:81,702,585, G>T on the plus strand (C>A on the coding strand, the complement: HGF is on the minus strand). VCF-style: chr7-81702585-G-T. GRCh37 (hg19) VCF-style: chr7-81331901-G-T.
Other names: c.2168C>A, p.Ser723Ter (NM_001010932.3); short protein forms S723*, S728*.
Identifiers: ClinVar variation 1065086 (VCV001065086.3), dbSNP rs747516423, ClinGen allele CA4316703.
Genomic context (GRCh38, chr7:81,702,585, plus strand): 5'-AATCTTCATGTAAAAGACAGTTGTATTGGTGGGTGCTTCAGACACACTTACTTCAGCTAT[G>T]ACTGTGGTACCTTATATGTTAAAATAATTTTGTGTATCCATTTTGCATAATATGCTACTC-3'

ClinVar aggregate classification (germline): Uncertain significance (1 of 4 stars; one submission).

Conditions:
Hearing impairment. Also called: Impaired Hearing. Identifiers: MedGen C1384666, MONDO:0005365, HP:0000365.

Allele frequency attached by ClinVar (database versions not stated): TOPMed 0.00001; gnomAD exomes below 0.00001 and 0.00001; ExAC 0.00001; gnomAD 0.00001.
gnomAD v4.1: 18 of 1,609,078 alleles (0.0011%); highest among the groups gnomAD compares: Non-Finnish European, 0.0014%; no homozygotes.

Submission:

Department of Otolaryngology – Head & Neck Surgery, Cochlear Implant Center
Classification: Uncertain significance for Hearing impairment. Last evaluated: 2021-04-12. Review status: criteria provided, single submitter. Criteria: ClinGen HL ACMG Specifications v1. Collection method: clinical testing. Allele origin: germline. Affected: yes.
Comment: PVS1_Moderate, PM2_Moderate